The following is an entry in ClinVar:

ClinVar aggregate classification (germline): Uncertain significance (1 of 4 stars; one submission).

Submission:

Labcorp Genetics (formerly Invitae), Labcorp
Classification: Uncertain significance. Last evaluated: 2022-04-17. Review status: criteria provided, single submitter. Criteria: Invitae Variant Classification Sherloc (09022015). Collection method: clinical testing. Allele origin: germline.
Comment: This sequence change replaces lysine, which is basic and polar, with arginine, which is basic and polar, at codon 343 of the POLE2 protein (p.Lys343Arg). This variant is not present in population databases (gnomAD no frequency). This variant has not been reported in the literature in individuals affected with POLE2-related conditions. Algorithms developed to predict the effect of missense changes on protein structure and function (SIFT, PolyPhen-2, Align-GVGD) all suggest that this variant is likely to be tolerated. In summary, the available evidence is currently insufficient to determine the role of this variant in disease. Therefore, it has been classified as a Variant of Uncertain Significance.

NM_002692.4(POLE2):c.1028A>G (p.Lys343Arg)

Gene: POLE2 (DNA polymerase epsilon 2, accessory subunit; minus strand). Cytogenetic location: 14q21.3.
Variant type: single nucleotide variant.
Coding change: c.1028A>G on transcript NM_002692.4 (MANE Select); coding-DNA position 1028, A replaced by G.
Protein change: p.Lys343Arg; replaces lysine 343 with arginine.
Molecular consequence: missense variant.
Genome position (GRCh38, 1-based): chr14:49,654,829, T>C on the plus strand (A>G on the coding strand, the complement: POLE2 is on the minus strand). VCF-style: chr14-49654829-T-C. GRCh37 (hg19) VCF-style: chr14-50121547-T-C.
Other names: c.950A>G, p.Lys317Arg (NM_001197330.2); c.1028A>G, p.Lys343Arg (NM_001197331.3, NM_001348384.2); c.797A>G, p.Lys266Arg (NM_001348385.2); short protein forms K266R, K317R, K343R.
Identifiers: ClinVar variation 1972498 (VCV001972498.5), dbSNP rs2502828434, ClinGen allele CA389603317.